The following is an entry in ClinVar:

NM_019022.5(TMX3):c.619A>G (p.Thr207Ala)

Gene: TMX3 (thioredoxin related transmembrane protein 3; minus strand). Cytogenetic location: 18q22.1.
Variant type: single nucleotide variant.
Coding change: c.619A>G on transcript NM_019022.5 (MANE Select); coding-DNA position 619, A replaced by G.
Protein change: p.Thr207Ala; replaces threonine 207 with alanine.
Molecular consequence: missense variant.
Genome position (GRCh38, 1-based): chr18:68,691,313, T>C on the plus strand (A>G on the coding strand, the complement: TMX3 is on the minus strand). VCF-style: chr18-68691313-T-C. GRCh37 (hg19) VCF-style: chr18-66358550-T-C.
Other names: c.538A>G, p.Thr180Ala (NM_001350513.2, NM_001350514.2); c.196A>G, p.Thr66Ala (NM_001350515.2, NM_001350516.2, NM_001350517.2); short protein forms T180A, T207A, T66A.
Identifiers: ClinVar variation 3054096 (VCV003054096.2), dbSNP rs199579999, ClinGen allele CA8993177.

ClinVar aggregate classification (germline): Likely benign (0 of 4 stars; one submission).

Conditions:
TMX3-related disorder. Also called: TMX3-related condition.

Allele frequency attached by ClinVar (database versions not stated): gnomAD exomes 0.00003; TOPMed 0.00003; gnomAD 0.00006; 1000 Genomes Project 30x 0.00016; 1000 Genomes Project 0.00020; ExAC 0.00020.
gnomAD v4.1: 86 of 1,585,202 alleles (0.0054%); highest among the groups gnomAD compares: East Asian, 0.11%; 1 homozygote.

Submission:

PreventionGenetics, part of Exact Sciences
Classification: Likely benign for TMX3-related condition. Last evaluated: 2023-07-29. Review status: no assertion criteria provided. Collection method: clinical testing. Allele origin: germline.
Comment: This variant is classified as likely benign based on ACMG/AMP sequence variant interpretation guidelines (Richards et al. 2015 PMID: 25741868, with internal and published modifications).